The following is an entry in ClinVar:

ClinVar aggregate classification (germline): Likely benign. Review status: criteria provided, multiple submitters, no conflicts (2 of 4 stars). 3 submissions from 3 submitters: Likely benign (3). Last evaluated 2025-12-30.

Conditions:
Dyskeratosis congenita. Identifiers: Orphanet 1775, MedGen C0265965, MONDO:0015780.

Allele frequency attached by ClinVar (database versions not stated): gnomAD 0.00002 and 0.00003; TOPMed 0.00002; 1000 Genomes Project 30x 0.00031; 1000 Genomes Project 0.00040.
gnomAD v4.1: 30 of 1,614,112 alleles (0.0019%); highest among the groups gnomAD compares: Admixed American, 0.005%; no homozygotes.

Submissions (3):

Labcorp Genetics (formerly Invitae), Labcorp
Classification: Likely benign for Dyskeratosis congenita. Last evaluated: 2025-12-30. Review status: criteria provided, single submitter. Criteria: Invitae Variant Classification Sherloc (09022015). Collection method: clinical testing. Allele origin: germline.

Blueprint Genetics
Classification: Likely benign. Last evaluated: 2024-09-23. Review status: criteria provided, single submitter. Criteria: ACMG Guidelines, 2015. Collection method: clinical testing. Allele origin: germline.

CeGaT Center for Human Genetics Tuebingen
Classification: Likely benign. Last evaluated: 2022-10-01. Review status: criteria provided, single submitter. Criteria: CeGaT Center For Human Genetics Tuebingen Variant Classification Criteria Version 2. Collection method: clinical testing. Allele origin: germline. Affected: yes. Observed: 1 variant allele.
Comment: CTC1: BP4, BP7

NM_025099.6(CTC1):c.3495G>A (p.Pro1165=)

Gene: CTC1 (CST telomere replication complex component 1; minus strand). Cytogenetic location: 17p13.1.
Variant type: single nucleotide variant.
Coding change: c.3495G>A on transcript NM_025099.6 (MANE Select); coding-DNA position 3495, G replaced by A.
Protein change: p.Pro1165=; no amino-acid change (proline 1165 retained).
Molecular consequence: synonymous variant. On other transcripts: non-coding transcript variant (1).
Genome position (GRCh38, 1-based): chr17:8,228,522, C>T on the plus strand (G>A on the coding strand, the complement: CTC1 is on the minus strand). VCF-style: chr17-8228522-C-T. GRCh37 (hg19) VCF-style: chr17-8131840-C-T.
Identifiers: ClinVar variation 700228 (VCV000700228.34), dbSNP rs556097361, ClinGen allele CA8371760.